The following is an entry in ClinVar:

ClinVar aggregate classification (germline): Likely benign. Review status: criteria provided, multiple submitters, no conflicts (2 of 4 stars). 3 submissions from 3 submitters: Likely benign (3). Last evaluated 2024-06-20.

Conditions:
Ataxia-telangiectasia syndrome (AT). Also called: Ataxia telangiectasia (A-T); LOUIS-BAR SYNDROME; Cerebello-oculocutaneous telangiectasia; Immunodeficiency with ataxia telangiectasia; Ataxia-telangiectasia, complementation group D; AT, COMPLEMENTATION GROUP C. Identifiers: Orphanet 100, MedGen C0004135, MONDO:0008840, OMIM 208900.
Hereditary cancer-predisposing syndrome. Also called: Hereditary neoplastic syndrome; Neoplastic Syndromes, Hereditary; Tumor predisposition; Hereditary Cancer Syndrome. Identifiers: Orphanet 140162, MedGen C0027672, MeSH D009386, MONDO:0015356.
Familial cancer of breast. Also called: Hereditary breast cancer; hereditary breast carcinoma; BREAST CANCER, FAMILIAL. Identifiers: Orphanet 227535, MedGen C0346153, MONDO:0016419, OMIM 114480. Disease mechanism: loss of function.

Submissions (3):

Labcorp Genetics (formerly Invitae), Labcorp
Classification: Likely benign for Ataxia-telangiectasia syndrome. Last evaluated: 2024-06-20. Review status: criteria provided, single submitter. Criteria: Invitae Variant Classification Sherloc (09022015). Collection method: clinical testing. Allele origin: germline.

Myriad Genetics, Inc.
Classification: Likely benign for Familial cancer of breast. Last evaluated: 2024-06-07. Review status: criteria provided, single submitter. Criteria: Myriad Autosomal Dominant, Autosomal Recessive and X-Linked Classification Criteria (2023). Collection method: clinical testing. Allele origin: unknown.
Comment: This variant is considered likely benign. This variant is intronic and is not expected to impact mRNA splicing.

Ambry Genetics
Classification: Likely benign for Hereditary cancer-predisposing syndrome. Last evaluated: 2022-09-07. Review status: criteria provided, single submitter. Criteria: Ambry Variant Classification Scheme 2023. Collection method: clinical testing. Allele origin: germline.

NM_000051.4(ATM):c.6573-4T>C

Genes: C11orf65 (chromosome 11 open reading frame 65; minus strand), ATM (ATM serine/threonine kinase; plus strand). Cytogenetic location: 11q22.3.
Variant type: single nucleotide variant.
Coding change: c.6573-4T>C on transcript NM_000051.4 (MANE Select); 4 bases into the intron before coding-DNA position 6573, T replaced by C.
Molecular consequence: intron variant.
Genome position (GRCh38, 1-based): chr11:108,325,306, T>C. VCF-style: chr11-108325306-T-C. GRCh37 (hg19) VCF-style: chr11-108196033-T-C.
Other names: c.6573-4T>C (NM_001351834.2); c.641-16235A>G (NM_001330368.2); c.*38+9914A>G (NM_001351110.2).
Identifiers: ClinVar variation 1754257 (VCV001754257.5), dbSNP rs2547199254, ClinGen allele CA2574971492.